The following is an entry in ClinVar:

ClinVar aggregate classification (germline): Uncertain significance (1 of 4 stars; one submission).

Conditions:
Primary ciliary dyskinesia. Also called: Ciliary dyskinesia. Identifiers: Orphanet 244, MedGen C0008780, MONDO:0016575, HP:0012265.

gnomAD v4.1: 3 of 1,614,240 alleles (0.00019%); highest among the groups gnomAD compares: Non-Finnish European, 0.00025%; no homozygotes.

Submission:

Ambry Genetics
Classification: Uncertain significance for Primary ciliary dyskinesia. Last evaluated: 2024-02-18. Review status: criteria provided, single submitter. Criteria: Ambry Variant Classification Scheme 2023. Collection method: clinical testing. Allele origin: germline.
Comment: The p.K459M variant (also known as c.1376A>T), located in coding exon 3 of the RSPH4A gene, results from an A to T substitution at nucleotide position 1376. The lysine at codon 459 is replaced by methionine, an amino acid with similar properties. This amino acid position is conserved. In addition, the in silico prediction for this alteration is inconclusive. Based on the available evidence, the clinical significance of this alteration remains unclear.

NM_001010892.3(RSPH4A):c.1376A>T (p.Lys459Met)

Gene: RSPH4A (radial spoke head component 4A; plus strand). Cytogenetic location: 6q22.1.
Variant type: single nucleotide variant.
Coding change: c.1376A>T on transcript NM_001010892.3 (MANE Select); coding-DNA position 1376, A replaced by T.
Protein change: p.Lys459Met; replaces lysine 459 with methionine.
Molecular consequence: missense variant.
Genome position (GRCh38, 1-based): chr6:116,628,083, A>T. VCF-style: chr6-116628083-A-T. GRCh37 (hg19) VCF-style: chr6-116949246-A-T.
Other names: c.1376A>T, p.Lys459Met (NM_001161664.2); short protein forms K459M.
Identifiers: ClinVar variation 3232356 (VCV003232356.1), dbSNP rs2482803744, ClinGen allele CA365405995.
Genomic context (GRCh38, chr6:116,628,083, plus strand): 5'-GACCATGGGTGAAGTTACCACCAGTTATACCTGCACAAATTGTTATTGCAAGAAAAATCA[A>T]GAAATTTTTCACTGGGCGATTGGATGCTCCCATCATAAGCTACCCACCTTTCCCAGGAAA-3'
Protein context (NP_001010892.1, residues 449-469): PAQIVIARKI[Lys459Met]KFFTGRLDAP